The following is an entry in ClinVar:

ClinVar aggregate classification (germline): Uncertain significance (1 of 4 stars; one submission).

Allele frequency attached by ClinVar (database versions not stated): gnomAD exomes below 0.00001.

Submission:

GeneDx
Classification: Uncertain significance. Last evaluated: 2021-04-20. Review status: criteria provided, single submitter. Criteria: GeneDx Variant Classification Process June 2021. Collection method: clinical testing. Allele origin: germline. Affected: yes.
Comment: Has not been previously published as pathogenic or benign to our knowledge; Not observed in large population cohorts (Lek et al., 2016); In silico analysis supports that this missense variant has a deleterious effect on protein structure/function; In silico analysis, which includes splice predictors and evolutionary conservation, suggests this variant may impact gene splicing. In the absence of RNA/functional studies, the actual effect of this sequence change is unknown.

NM_001478.5(B4GALNT1):c.791C>G (p.Pro264Arg)

Gene: B4GALNT1 (beta-1,4-N-acetyl-galactosaminyltransferase 1; minus strand). Cytogenetic location: 12q13.3.
Variant type: single nucleotide variant.
Coding change: c.791C>G on transcript NM_001478.5 (MANE Select); coding-DNA position 791, C replaced by G.
Protein change: p.Pro264Arg; replaces proline 264 with arginine.
Molecular consequence: missense variant.
Genome position (GRCh38, 1-based): chr12:57,629,068, G>C on the plus strand (C>G on the coding strand, the complement: B4GALNT1 is on the minus strand). VCF-style: chr12-57629068-G-C. GRCh37 (hg19) VCF-style: chr12-58022851-G-C.
Other names: c.626C>G, p.Pro209Arg (NM_001276468.2); short protein forms P209R, P264R.
Identifiers: ClinVar variation 1321562 (VCV001321562.2), dbSNP rs1180835234, ClinGen allele CA385498269.